The following is an entry in ClinVar:

NM_007294.4(BRCA1):c.2281G>A (p.Glu761Lys)

Gene: BRCA1 (BRCA1 DNA repair associated; minus strand). Cytogenetic location: 17q21.31.
Variant type: single nucleotide variant.
Coding change: c.2281G>A on transcript NM_007294.4 (MANE Select); coding-DNA position 2281, G replaced by A.
Protein change: p.Glu761Lys; replaces glutamic acid 761 with lysine.
Molecular consequence: missense variant. On other transcripts: intron variant (137).
Genome position (GRCh38, 1-based): chr17:43,093,250, C>T on the plus strand (G>A on the coding strand, the complement: BRCA1 is on the minus strand). VCF-style: chr17-43093250-C-T. GRCh37 (hg19) VCF-style: chr17-41245267-C-T.
Other names: c.2158G>A, p.Glu720Lys (NM_001407668.1, NM_001407669.1, NM_001407674.1 and 19 more transcripts); c.2155G>A, p.Glu719Lys (NM_001407670.1, NM_001407671.1, NM_001407672.1 and 11 more transcripts); c.2281G>A, p.Glu761Lys (NM_001407684.1, NM_001407854.1, NM_001407858.1 and 30 more transcripts); c.2140G>A, p.Glu714Lys (NM_001407692.1, NM_001407694.1, NM_001407695.1 and 29 more transcripts); c.2137G>A, p.Glu713Lys (NM_001407740.1, NM_001407741.1, NM_001407742.1 and 20 more transcripts); c.2068G>A, p.Glu690Lys (NM_001407853.1, NM_001407894.1, NM_001407895.1 and 9 more transcripts); c.2278G>A, p.Glu760Lys (NM_001407860.1, NM_001407861.1, NM_001407587.1 and 22 more transcripts); c.2080G>A, p.Glu694Lys (NM_001407862.1); and 41 more; short protein forms E761K, E714K, E693K, E719K, E720K, E465K, E633K, E672K.
Identifiers: ClinVar variation 37460 (VCV000037460.8), dbSNP rs397507198, ClinGen allele CA001520.
Genomic context (GRCh38, chr17:43,093,250, plus strand): 5'-CCTGAGTGCCATAATCAGTACCAGGTACCAATGAAATACTGCTACTCTCTACAGATCTTT[C>T]AGTTTGCAAAACCCTTTCTCCACTTAACATGAGATCTTTGGGGTCTTCAGCATTATTAGA-3'
Protein context (NP_009225.1, residues 751-771): MLSGERVLQT[Glu761Lys]RSVESSSISL

ClinVar aggregate classification (germline): Conflicting classifications of pathogenicity. Review status: criteria provided, conflicting classifications (1 of 4 stars). 3 submissions from 3 submitters: Uncertain significance (1); Likely benign (1). 1 of the submissions does not count toward it. Last evaluated 2024-11-14.

Conditions:
Hereditary cancer-predisposing syndrome. Also called: Tumor predisposition; Neoplastic Syndromes, Hereditary; Hereditary Cancer Syndrome; Hereditary neoplastic syndrome. Identifiers: Orphanet 140162, MedGen C0027672, MeSH D009386, MONDO:0015356.
Breast-ovarian cancer, familial, susceptibility to, 1 (BROVCA1). Also called: OVARIAN CANCER, SUSCEPTIBILITY TO; BRCA1 Hereditary Breast and Ovarian Cancer. Identifiers: Orphanet 145, MedGen C2676676, MONDO:0011450, OMIM 604370. Disease mechanism: loss of function.

Submissions (3):

Ambry Genetics
Classification: Uncertain significance for Hereditary cancer-predisposing syndrome. Last evaluated: 2024-11-14. Review status: criteria provided, single submitter. Criteria: Ambry Variant Classification Scheme 2023. Collection method: clinical testing. Allele origin: germline.
Comment: The p.E761K variant (also known as c.2281G>A), located in coding exon 9 of the BRCA1 gene, results from a G to A substitution at nucleotide position 2281. The glutamic acid at codon 761 is replaced by lysine, an amino acid with similar properties. This amino acid position is not well conserved in available vertebrate species. In addition, the in silico prediction for this alteration is inconclusive. Since supporting evidence is limited at this time, the clinical significance of this alteration remains unclear.

University of Washington Department of Laboratory Medicine, University of Washington
Classification: Likely benign for Hereditary cancer-predisposing syndrome. Last evaluated: 2023-03-23. Review status: criteria provided, single submitter. Criteria: Dines et al. (Genet Med. 2020). Collection method: curation. Allele origin: germline.
Comment: Missense variant in a coldspot region where missense variants are very unlikely to be pathogenic (PMID:31911673).

BRCA1 coldspot (exon 11 using historical exon numbering). Reclassification based on statistical prior probability

Sharing Clinical Reports Project (SCRP)
Classification: Uncertain significance for Breast-ovarian cancer, familial 1. Last evaluated: 2007-09-27. Review status: no assertion criteria provided. Collection method: clinical testing. Allele origin: germline. Not counted in ClinVar's aggregate classification.

Literature cited by the submitters: PubMed 31341951 (cited by Ambry Genetics).